The following is an entry in ClinVar:

NM_004070.4(CLCNKA):c.1339G>A (p.Ala447Thr)

Genes: CLCNKA (chloride voltage-gated channel Ka; plus strand), LOC106501712 (CLCNKA recombination region; plus strand). Cytogenetic location: 1p36.13.
Variant type: single nucleotide variant.
Coding change: c.1339G>A on transcript NM_004070.4 (MANE Select); coding-DNA position 1339, G replaced by A.
Protein change: p.Ala447Thr; replaces alanine 447 with threonine.
Molecular consequence: missense variant.
Genome position (GRCh38, 1-based): chr1:16,030,006, G>A. VCF-style: chr1-16030006-G-A. GRCh37 (hg19) VCF-style: chr1-16356501-G-A.
Other names: p.Ala447Thr; c.1339G>A, p.Ala447Thr (NM_001042704.2); c.1210G>A, p.Ala404Thr (NM_001257139.2); short protein forms A404T, A447T.
Identifiers: ClinVar variation 1177821 (VCV001177821.9), dbSNP rs1805152, ClinGen allele CA622739.

ClinVar aggregate classification (germline): Benign. Review status: criteria provided, multiple submitters, no conflicts (2 of 4 stars). 6 submissions from 6 submitters: Benign (6). Last evaluated 2024-11-26.

Conditions:
Bartter disease type 4B. Also called: BARTTER SYNDROME, TYPE 4B; Bartter syndrome, type 4b, digenic; BARTTER SYNDROME, TYPE 4B, NEONATAL, WITH SENSORINEURAL DEAFNESS. Identifiers: Orphanet 112, MedGen C4310805, MONDO:0000909, OMIM 613090.

Allele frequency attached by ClinVar (database versions not stated): gnomAD exomes 0.55281; ExAC 0.56122; TOPMed 0.59224; ESP Exome Variant Server 0.60134; 1000 Genomes Project 30x 0.64538; 1000 Genomes Project 0.64856.
gnomAD v4.1: 885,110 of 1,588,384 alleles (56%); highest among the groups gnomAD compares: East Asian, 74%; 254,002 homozygotes.

Submissions (6):

Blueprint Genetics
Classification: Benign. Last evaluated: 2024-11-26. Review status: criteria provided, single submitter. Criteria: ACMG Guidelines, 2015. Collection method: clinical testing. Allele origin: germline.

Mayo Clinic Laboratories, Mayo Clinic
Classification: Benign. Last evaluated: 2022-09-23. Review status: criteria provided, single submitter. Criteria: ACMG Guidelines, 2015. Collection method: clinical testing. Allele origin: germline. Observed: 160 variant alleles.
Comment: BA1, BP4

Women's Health and Genetics/Laboratory Corporation of America, LabCorp
Classification: Benign. Last evaluated: 2021-12-16. Review status: criteria provided, single submitter. Criteria: LabCorp Variant Classification Summary - May 2015. Collection method: clinical testing. Allele origin: germline.
Comment: Variant summary: CLCNKA c.1339G>A (p.Ala447Thr) results in a non-conservative amino acid change in the encoded protein sequence. Four of five in-silico tools predict a benign effect of the variant on protein function. The variant allele was found at a frequency of 0.55 in 250078 control chromosomes, suggesting that it is the major allele and therefore benign. The observed variant frequency is approximately 490 fold of the estimated maximal expected allele frequency for a pathogenic variant in CLCNKA causing Bartter Syndrome, Type 4b phenotype (0.0011), strongly suggesting that the variant is benign. To our knowledge, no occurrence of c.1339G>A in individuals affected with Bartter Syndrome, Type 4b and no experimental evidence demonstrating its impact on protein function have been reported. Two clinical diagnostic laboratories have submitted clinical-significance assessments for this variant to ClinVar after 2014 without evidence for independent evaluation. All laboratories classified the variant as benign. Based on the evidence outlined above, the variant was classified as benign.

Genome-Nilou Lab
Classification: Benign for Bartter disease type 4B. Last evaluated: 2021-07-22. Review status: criteria provided, single submitter. Criteria: ACMG Guidelines, 2015. Collection method: clinical testing. Allele origin: germline. Affected: no.

GeneDx
Classification: Benign. Last evaluated: 2018-11-10. Review status: criteria provided, single submitter. Criteria: GeneDx Variant Classification Process June 2021. Collection method: clinical testing. Allele origin: germline. Affected: yes.
Comment: This variant is associated with the following publications: (PMID: 17510212)

Breakthrough Genomics
Classification: Benign. Review status: criteria provided, single submitter. Criteria: ACMG Guidelines, 2015. Collection method: not provided. Allele origin: germline. Inheritance: Autosomal recessive inheritance. Affected: yes.